The following is an entry in ClinVar:

NM_016151.4(TAOK2):c.1422+6T>C

Gene: TAOK2 (TAO kinase 2; plus strand). Cytogenetic location: 16p11.2.
Variant type: single nucleotide variant.
Coding change: c.1422+6T>C on transcript NM_016151.4 (MANE Select); 6 bases into the intron after coding-DNA position 1422, T replaced by C.
Molecular consequence: intron variant.
Genome position (GRCh38, 1-based): chr16:29,983,670, T>C. VCF-style: chr16-29983670-T-C. GRCh37 (hg19) VCF-style: chr16-29994991-T-C.
Other names: c.1422+6T>C (NM_004783.4, NM_001252043.2).
Identifiers: ClinVar variation 1430323 (VCV001430323.6), dbSNP rs1400759268, ClinGen allele CA622166134.

ClinVar aggregate classification (germline): Uncertain significance (1 of 4 stars; one submission).

Allele frequency attached by ClinVar (database versions not stated): gnomAD 0.00001; gnomAD exomes 0.00001; TOPMed 0.00002.
gnomAD v4.1: 16 of 1,604,240 alleles (0.001%); highest among the groups gnomAD compares: Non-Finnish European, 0.0014%; no homozygotes.

Submission:

Labcorp Genetics (formerly Invitae), Labcorp
Classification: Uncertain significance. Last evaluated: 2024-07-29. Review status: criteria provided, single submitter. Criteria: Invitae Variant Classification Sherloc (09022015). Collection method: clinical testing. Allele origin: germline.
Comment: This sequence change falls in intron 13 of the TAOK2 gene. It does not directly change the encoded amino acid sequence of the TAOK2 protein. It affects a nucleotide within the consensus splice site. This variant is present in population databases (no rsID available, gnomAD 0.007%). This variant has not been reported in the literature in individuals affected with TAOK2-related conditions. ClinVar contains an entry for this variant (Variation ID: 1430323). Variants that disrupt the consensus splice site are a relatively common cause of aberrant splicing (PMID: 17576681, 9536098). Algorithms developed to predict the effect of sequence changes on RNA splicing suggest that this variant is not likely to affect RNA splicing. In summary, the available evidence is currently insufficient to determine the role of this variant in disease. Therefore, it has been classified as a Variant of Uncertain Significance.

Literature cited by the submitters: PubMed 17576681; PubMed 9536098.